The following is an entry in ClinVar:

NM_138459.5(NUS1):c.178C>T (p.Pro60Ser)

Gene: NUS1 (NUS1 dehydrodolichyl diphosphate synthase subunit; plus strand). Cytogenetic location: 6q22.1.
Variant type: single nucleotide variant.
Coding change: c.178C>T on transcript NM_138459.5 (MANE Select); coding-DNA position 178, C replaced by T.
Protein change: p.Pro60Ser; replaces proline 60 with serine.
Molecular consequence: missense variant.
Genome position (GRCh38, 1-based): chr6:117,675,848, C>T. VCF-style: chr6-117675848-C-T. GRCh37 (hg19) VCF-style: chr6-117997011-C-T.
Other names: short protein forms P60S.
Identifiers: ClinVar variation 2913686 (VCV002913686.3), dbSNP rs1436843770, ClinGen allele CA365536060.

ClinVar aggregate classification (germline): Uncertain significance (1 of 4 stars; one submission).

Conditions:
Congenital disorder of glycosylation, type Iaa. Also called: Congenital disorder of glycosylation, type 1aa. Identifiers: MedGen C4310727, MONDO:0014904, OMIM 617082.

Allele frequency attached by ClinVar (database versions not stated): gnomAD exomes below 0.00001; gnomAD 0.00001.
gnomAD v4.1: 6 of 1,539,450 alleles (0.00039%); highest among the groups gnomAD compares: East Asian, 0.0024%; no homozygotes.

Submission:

Labcorp Genetics (formerly Invitae), Labcorp
Classification: Uncertain significance for Congenital disorder of glycosylation, type Iaa. Last evaluated: 2022-11-24. Review status: criteria provided, single submitter. Criteria: Invitae Variant Classification Sherloc (09022015). Collection method: clinical testing. Allele origin: germline.
Comment: This sequence change replaces proline, which is neutral and non-polar, with serine, which is neutral and polar, at codon 60 of the NUS1 protein (p.Pro60Ser). This variant is not present in population databases (gnomAD no frequency). This variant has not been reported in the literature in individuals affected with NUS1-related conditions. Algorithms developed to predict the effect of missense changes on protein structure and function (SIFT, PolyPhen-2, Align-GVGD) all suggest that this variant is likely to be tolerated. In summary, the available evidence is currently insufficient to determine the role of this variant in disease. Therefore, it has been classified as a Variant of Uncertain Significance.